The following is an entry in ClinVar:

NM_006178.4(NSF):c.1631C>T (p.Pro544Leu)

Genes: NSF (N-ethylmaleimide sensitive factor, vesicle fusing ATPase; plus strand), LRRC37A2 (leucine rich repeat containing 37 member A2). Cytogenetic location: 17q21.31.
Variant type: single nucleotide variant.
Coding change: c.1631C>T on transcript NM_006178.4 (MANE Select); coding-DNA position 1631, C replaced by T.
Protein change: p.Pro544Leu; replaces proline 544 with leucine.
Molecular consequence: missense variant. On other transcripts: non-coding transcript variant (1).
Genome position (GRCh38, 1-based): chr17:46,713,856, C>T. VCF-style: chr17-46713856-C-T. GRCh37 (hg19) VCF-style: chr17-44791222-C-T.
Other names: short protein forms P544L.
Identifiers: ClinVar variation 3769896 (VCV003769896.2).

ClinVar aggregate classification (germline): Uncertain significance (1 of 4 stars; one submission).

Submission:

GeneDx
Classification: Uncertain significance. Last evaluated: 2026-04-19. Review status: criteria provided, single submitter. Criteria: GeneDx Variant Classification Process June 2021. Collection method: clinical testing. Allele origin: germline.
Comment: Not observed at significant frequency in large population cohorts (gnomAD); In silico analysis supports that this missense variant has a deleterious effect on protein structure/function; Has not been previously published as pathogenic or benign to our knowledge